The following is an entry in ClinVar:

ClinVar aggregate classification (germline): Uncertain significance. Review status: criteria provided, multiple submitters, no conflicts (2 of 4 stars). 3 submissions from 3 submitters: Uncertain significance (3). Last evaluated 2026-06-03.

Conditions:
Cardiomyopathy (CMYO). Also called: Cardiomyopathies. Identifiers: Orphanet 167848, MedGen C0878544, MONDO:0004994, HP:0001638. Inheritance: Various modes of inheritance.
Cardiovascular phenotype. Identifiers: MedGen CN230736.
Charcot-Marie-Tooth disease type 2. Also called: Charcot-Marie-Tooth type 2. Identifiers: Orphanet 64746, MedGen C0270914, MONDO:0018993.

gnomAD v4.1: 3 of 1,567,794 alleles (0.00019%); highest among the groups gnomAD compares: South Asian, 0.0023%; no homozygotes.

Submissions (3):

Ambry Genetics
Classification: Uncertain significance for Cardiovascular phenotype. Last evaluated: 2026-06-03. Review status: criteria provided, single submitter. Criteria: Ambry Variant Classification Scheme 2023. Collection method: clinical testing. Allele origin: germline.
Comment: The c.1380+3A>G intronic variant results from an A to G substitution 3 nucleotides after coding exon 7 in the LMNA gene. This nucleotide position is not well conserved in available vertebrate species. In silico splice site analysis predicts that this alteration will not have any significant effect on splicing. Based on the available evidence, the clinical significance of this variant remains unclear.

Color Diagnostics, LLC DBA Color Health
Classification: Uncertain significance for Cardiomyopathy. Last evaluated: 2025-06-18. Review status: criteria provided, single submitter. Criteria: ACMG Guidelines, 2015. Collection method: clinical testing. Allele origin: germline.
Comment: This variant causes an A to G nucleotide substitution at the +3 position of intron 7 of the LMNA gene. To our knowledge, functional studies have not been reported for this variant. This variant has not been reported in individuals affected with LMNA-related disorders in the literature. This variant has not been identified in the general population by the Genome Aggregation Database (gnomAD). The available evidence is insufficient to determine the role of this variant in disease conclusively. Therefore, this variant is classified as a Variant of Uncertain Significance.

Labcorp Genetics (formerly Invitae), Labcorp
Classification: Uncertain significance for Charcot-Marie-Tooth disease type 2. Last evaluated: 2024-08-04. Review status: criteria provided, single submitter. Criteria: Invitae Variant Classification Sherloc (09022015). Collection method: clinical testing. Allele origin: germline.
Comment: This sequence change falls in intron 7 of the LMNA gene. It does not directly change the encoded amino acid sequence of the LMNA protein. It affects a nucleotide within the consensus splice site. This variant is not present in population databases (gnomAD no frequency). This variant has not been reported in the literature in individuals affected with LMNA-related conditions. ClinVar contains an entry for this variant (Variation ID: 924447). Variants that disrupt the consensus splice site are a relatively common cause of aberrant splicing (PMID: 17576681, 9536098). Algorithms developed to predict the effect of sequence changes on RNA splicing suggest that this variant is not likely to affect RNA splicing. In summary, the available evidence is currently insufficient to determine the role of this variant in disease. Therefore, it has been classified as a Variant of Uncertain Significance.

Literature cited by the submitters: PubMed 17576681 (cited by Labcorp Genetics (formerly Invitae), Labcorp); PubMed 9536098 (cited by Labcorp Genetics (formerly Invitae), Labcorp).

NM_170707.4(LMNA):c.1380+3A>G

Gene: LMNA (lamin A/C; plus strand). Cytogenetic location: 1q22.
Variant type: single nucleotide variant.
Coding change: c.1380+3A>G on transcript NM_170707.4 (MANE Select); 3 bases into the intron after coding-DNA position 1380, A replaced by G.
Molecular consequence: intron variant.
Genome position (GRCh38, 1-based): chr1:156,136,439, A>G. VCF-style: chr1-156136439-A-G. GRCh37 (hg19) VCF-style: chr1-156106230-A-G.
Other names: c.1380+3A>G (NM_001282625.2, NM_001282626.2, NM_170708.4 and 1 more transcripts); c.1044+3A>G (NM_001257374.3); c.1137+3A>G (NM_001282624.2).
Identifiers: ClinVar variation 924447 (VCV000924447.9), dbSNP rs1487175603, ClinGen allele CA913189053.